The following is an entry in ClinVar:

NM_033427.3(CTTNBP2):c.4447+10G>A

Gene: CTTNBP2 (cortactin binding protein 2; minus strand). Cytogenetic location: 7q31.31.
Variant type: single nucleotide variant.
Coding change: c.4447+10G>A on transcript NM_033427.3 (MANE Select); 10 bases into the intron after coding-DNA position 4447, G replaced by A.
Molecular consequence: intron variant.
Genome position (GRCh38, 1-based): chr7:117,724,537, C>T on the plus strand (G>A on the coding strand, the complement: CTTNBP2 is on the minus strand). VCF-style: chr7-117724537-C-T. GRCh37 (hg19) VCF-style: chr7-117364591-C-T.
Other names: c.2350+10G>A (NM_001363351.1, NM_001363350.1); c.4393+10G>A (NM_001363349.1).
Identifiers: ClinVar variation 4979321 (VCV004979321.1).

ClinVar aggregate classification (germline): Likely benign (1 of 4 stars; one submission).

Conditions:
CTTNBP2-related disorder. Also called: CTTNBP2-related condition.

gnomAD v4.1: 262 of 1,604,416 alleles (0.016%); highest among the groups gnomAD compares: African/African-American, 0.29%; 4 homozygotes.

Submission:

PreventionGenetics, part of Exact Sciences
Classification: Likely benign for CTTNBP2-related condition. Last evaluated: 2024-10-13. Review status: criteria provided, single submitter. Criteria: ACMG Guidelines, 2015. Collection method: clinical testing. Allele origin: germline.
Comment: This variant is classified as likely benign based on ACMG/AMP sequence variant interpretation guidelines (Richards et al. 2015 PMID: 25741868, with internal and published modifications).